The following is an entry in ClinVar:

NM_000548.5(TSC2):c.3385C>G (p.Arg1129Gly)

Gene: TSC2 (TSC complex subunit 2; plus strand). Cytogenetic location: 16p13.3.
Variant type: single nucleotide variant.
Coding change: c.3385C>G on transcript NM_000548.5 (MANE Select); coding-DNA position 3385, C replaced by G.
Protein change: p.Arg1129Gly; replaces arginine 1129 with glycine.
Molecular consequence: missense variant. On other transcripts: non-coding transcript variant (5).
Genome position (GRCh38, 1-based): chr16:2,079,657, C>G. VCF-style: chr16-2079657-C-G. GRCh37 (hg19) VCF-style: chr16-2129658-C-G.
Other names: c.3253C>G, p.Arg1085Gly (NM_001077183.3, NM_001370404.1, NM_001406665.1); c.3385C>G, p.Arg1129Gly (NM_001114382.3); c.3145C>G, p.Arg1049Gly (NM_001318827.2); c.3109C>G, p.Arg1037Gly (NM_001318829.2); c.3274C>G, p.Arg1092Gly (NM_001406670.1); c.3244C>G, p.Arg1082Gly (NM_001406671.1); c.3241C>G, p.Arg1081Gly (NM_001406673.1); c.3238C>G, p.Arg1080Gly (NM_001406675.1); and 18 more; short protein forms R1036G, R1085G, R1096G, R1116G, R1066G, R1081G, R637G, R929G.
Identifiers: ClinVar variation 4192110 (VCV004192110.1).

ClinVar aggregate classification (germline): Uncertain significance (1 of 4 stars; one submission).

Conditions:
Hereditary cancer-predisposing syndrome. Also called: Neoplastic Syndromes, Hereditary; Tumor predisposition; Hereditary Cancer Syndrome; Hereditary neoplastic syndrome. Identifiers: Orphanet 140162, MedGen C0027672, MeSH D009386, MONDO:0015356.

Submission:

Ambry Genetics
Classification: Uncertain significance for Hereditary cancer-predisposing syndrome. Last evaluated: 2025-08-02. Review status: criteria provided, single submitter. Criteria: Ambry Variant Classification Scheme 2023. Collection method: clinical testing. Allele origin: germline.
Comment: The p.R1129G variant (also known as c.3385C>G), located in coding exon 28 of the TSC2 gene, results from a C to G substitution at nucleotide position 3385. The arginine at codon 1129 is replaced by glycine, an amino acid with dissimilar properties. This amino acid position is conserved. In addition, this alteration is predicted to be deleterious by in silico analysis. Based on the available evidence, the clinical significance of this variant remains unclear.